The following is an entry in ClinVar:

NM_000053.4(ATP7B):c.529T>C (p.Ser177Pro)

Gene: ATP7B (ATPase copper transporting beta; minus strand). Cytogenetic location: 13q14.3.
Variant type: single nucleotide variant.
Coding change: c.529T>C on transcript NM_000053.4 (MANE Select); coding-DNA position 529, T replaced by C.
Protein change: p.Ser177Pro; replaces serine 177 with proline.
Molecular consequence: missense variant.
Genome position (GRCh38, 1-based): chr13:51,974,691, A>G on the plus strand (T>C on the coding strand, the complement: ATP7B is on the minus strand). VCF-style: chr13-51974691-A-G. GRCh37 (hg19) VCF-style: chr13-52548827-A-G.
Other names: c.529T>C, p.Ser177Pro (NM_001005918.3, NM_001243182.2, NM_001330578.2 and 30 more transcripts); c.433T>C, p.Ser145Pro (NM_001406543.1, NM_001406544.1, NM_001406517.1 and 4 more transcripts); short protein forms S145P, S177P.
Identifiers: ClinVar variation 3385827 (VCV003385827.1).

ClinVar aggregate classification (germline): Uncertain significance (1 of 4 stars; one submission).

Conditions:
Wilson disease (WND). Also called: Wilson's disease. Identifiers: Orphanet 905, MedGen C0019202, MONDO:0010200, OMIM 277900. Disease mechanism: loss of function.

gnomAD v4.1: 1 of 1,611,350 alleles (0.000062%); highest among the groups gnomAD compares: Admixed American, 0.0017%; no homozygotes.

Submission:

All of Us Research Program, National Institutes of Health
Classification: Uncertain significance for Wilson disease. Last evaluated: 2024-07-10. Review status: criteria provided, single submitter. Criteria: ACMG Guidelines, 2015. Collection method: clinical testing. Allele origin: germline. Inheritance: Autosomal recessive inheritance. Observed: 1 variant allele, 1 heterozygote.
Comment: This missense variant replaces serine with proline at codon 177 of the ATP7B protein. Computational prediction suggests that this variant may have deleterious impact on protein structure and function. To our knowledge, functional studies have not been reported for this variant. This variant has not been reported in individuals affected with ATP7B-related disorders in the literature. This variant has been identified in 1/31380 chromosomes in the general population by the Genome Aggregation Database (gnomAD). The available evidence is insufficient to determine the role of this variant in disease conclusively. Therefore, this variant is classified as a Variant of Uncertain Significance.

This study involves interpretation of variants in research participants for the purpose of population health screening. Participant phenotype was not available at the time of variant classification. Additional details can be found in publication PMID: 35346344, PMCID: PMC8962531